The following is an entry in ClinVar:

ClinVar aggregate classification (germline): Benign. Review status: criteria provided, multiple submitters, no conflicts (2 of 4 stars). 3 submissions from 3 submitters: Benign (2). 1 of the submissions does not count toward it. Last evaluated 2018-01-12.

Conditions:
HAL-related disorder. Also called: HAL-related condition.
Histidinemia. Also called: Hyperhistidinemia; Deficiency of histidine ammonia-lyase; HAL DEFICIENCY; HIS DEFICIENCY; HISTIDASE DEFICIENCY; HISTIDINE AMMONIA-LYASE DEFICIENCY. Identifiers: Orphanet 2157, MedGen C0220992, MONDO:0009345, OMIM 235800, HP:0010906.

Allele frequency attached by ClinVar (database versions not stated): gnomAD 0.09325 and 0.09584; 1000 Genomes Project 0.09844; 1000 Genomes Project 30x 0.09978; TOPMed 0.10103; ESP Exome Variant Server 0.10172.
gnomAD v4.1: 98,335 of 1,613,544 alleles (6.1%); highest among the groups gnomAD compares: African/African-American, 19%; 3,984 homozygotes.

Submissions (3):

Illumina Laboratory Services, Illumina
Classification: Benign for Histidinemia. Last evaluated: 2018-01-12. Review status: criteria provided, single submitter. Criteria: ICSL Variant Classification Criteria 13 December 2019. Collection method: clinical testing. Allele origin: germline.
Comment: This variant was observed in the ICSL laboratory as part of a predisposition screen in an ostensibly healthy population. It had not been previously curated by ICSL or reported in the Human Gene Mutation Database (HGMD: prior to June 1st, 2018), and was therefore a candidate for classification through an automated scoring system. Utilizing variant allele frequency, disease prevalence and penetrance estimates, and inheritance mode, an automated score was calculated to assess if this variant is too frequent to cause the disease. Based on the score and internal cut-off values, a variant classified as benign is not then subjected to further curation. The score for this variant resulted in a classification of benign for this disease.

Breakthrough Genomics
Classification: Benign. Review status: criteria provided, single submitter. Criteria: ACMG Guidelines, 2015. Collection method: not provided. Allele origin: germline. Inheritance: Autosomal recessive inheritance. Affected: yes.

PreventionGenetics, part of Exact Sciences
Classification: Benign for HAL-related condition. Last evaluated: 2019-11-06. Review status: no assertion criteria provided. Collection method: clinical testing. Allele origin: germline. Not counted in ClinVar's aggregate classification.
Comment: This variant is classified as benign based on ACMG/AMP sequence variant interpretation guidelines (Richards et al. 2015 PMID: 25741868, with internal and published modifications).

NM_002108.4(HAL):c.921T>C (p.Asn307=)

Gene: HAL (histidine ammonia-lyase; minus strand). Cytogenetic location: 12q23.1.
Variant type: single nucleotide variant.
Coding change: c.921T>C on transcript NM_002108.4 (MANE Select); coding-DNA position 921, T replaced by C.
Protein change: p.Asn307=; no amino-acid change (asparagine 307 retained).
Molecular consequence: synonymous variant.
Genome position (GRCh38, 1-based): chr12:95,987,197, A>G on the plus strand (T>C on the coding strand, the complement: HAL is on the minus strand). VCF-style: chr12-95987197-A-G. GRCh37 (hg19) VCF-style: chr12-96380975-A-G.
Other names: c.297T>C, p.Asn99= (NM_001258333.2); c.921T>C, p.Asn307= (NM_001258334.2).
Identifiers: ClinVar variation 310712 (VCV000310712.8), dbSNP rs11108364, ClinGen allele CA6727769.
Genomic context (GRCh38, chr12:95,987,197, plus strand): 5'-TGCAATAGCACTGGCTCGCTCTACAGCTTCACAGCCCAGGGATGTGATCATCTGCGTCCC[A>G]TTGATGAGTGCCAGGCCCTGTCGGGGGAGAGAGCAAAGTTTCCTACTGTGATTATTGTAA-3'
Protein context (NP_002099.1, residues 297-317): LKPKEGLALI[Asn307=]GTQMITSLGC